The following is an entry in ClinVar:

NM_020549.5(CHAT):c.950T>C (p.Val317Ala)

Gene: CHAT (choline O-acetyltransferase; plus strand). Cytogenetic location: 10q11.23.
Variant type: single nucleotide variant.
Coding change: c.950T>C on transcript NM_020549.5 (MANE Select); coding-DNA position 950, T replaced by C.
Protein change: p.Val317Ala; replaces valine 317 with alanine.
Molecular consequence: missense variant.
Genome position (GRCh38, 1-based): chr10:49,627,624, T>C. VCF-style: chr10-49627624-T-C. GRCh37 (hg19) VCF-style: chr10-50835670-T-C.
Other names: c.596T>C, p.Val199Ala (NM_001142929.2, NM_001142934.2, NM_020984.4 and 2 more transcripts); c.704T>C, p.Val235Ala (NM_001142933.2); short protein forms V317A, V199A, V235A.
Identifiers: ClinVar variation 5007717 (VCV005007717.2).

ClinVar aggregate classification (germline): Uncertain significance (1 of 4 stars; one submission).

Conditions:
Familial infantile myasthenia (CMS6). Also called: MYASTHENIC SYNDROME, PRESYNAPTIC, CONGENITAL, ASSOCIATED WITH EPISODIC APNEA; MYASTHENIC SYNDROME, CONGENITAL, 6, PRESYNAPTIC; Congenital myasthenic syndrome type 6. Identifiers: Orphanet 590, MedGen C0393929, MONDO:0009689, OMIM 254210.

gnomAD v4.1: 12 of 1,614,122 alleles (0.00074%); highest among the groups gnomAD compares: East Asian, 0.022%; no homozygotes.

Submission:

Juno Genomics, Hangzhou Juno Genomics, Inc
Classification: Uncertain significance for Familial infantile myasthenia. Review status: criteria provided, single submitter. Criteria: ACMG Guidelines, 2015. Collection method: clinical testing. Allele origin: germline.
Comment: Absent from controls (or at extremely low frequency if recessive) in Genome Aggregation Database.;Multiple lines of computational evidence support a deleterious effect on the gene or gene product.